The following is an entry in ClinVar:

NM_002929.3(GRK1):c.1610_1613del (p.Asp537fs)

Gene: GRK1 (G protein-coupled receptor kinase 1; plus strand). Cytogenetic location: 13q34.
Variant type: Deletion.
Coding change: c.1610_1613del on transcript NM_002929.3 (MANE Select); coding-DNA positions 1610 to 1613, 4 bases deleted (ACGG; older notation c.1610_1613delACGG).
Protein change: p.Asp537fs; shifts the reading frame from aspartic acid 537.
Molecular consequence: frameshift variant.
Genome position (GRCh38, 1-based): chr13:113,735,281-113,735,284, ACGG deleted; deleting any 4 consecutive bases within chr13:113,735,278-113,735,284 gives the same sequence; the c. name uses the placement nearest the transcript's 3' end. VCF-style (leftmost placement, unchanged base first): chr13-113735277-TCGGA-T. GRCh37 (hg19) VCF-style: chr13-114438250-TCGGA-T.
Other names: NC_000013.10:g.114438254_114438257del; NP_002920.1:p.(Asp537ValfsTer7); c.1607_1610delCGGA (NM_002929.3); c.1610_1613del (NM_002929.2); c.1610_1613delACGG (NM_002929.3, NM_002929.2); short protein forms D537fs.
Identifiers: ClinVar variation 870440 (VCV000870440.34), dbSNP rs756235051, ClinGen allele CA7066374.

ClinVar aggregate classification (germline): Pathogenic/Likely pathogenic. Review status: criteria provided, multiple submitters, no conflicts (2 of 4 stars). 14 submissions from 14 submitters: Pathogenic (6); Likely pathogenic (5). 3 of the submissions do not count toward it. Last evaluated 2026-08-06.

Conditions:
GRK1-related disorder. Also called: GRK1-related condition.
Oguchi disease-2. Also called: NIGHT BLINDNESS, CONGENITAL STATIONARY, OGUCHI TYPE 2. Identifiers: Orphanet 75382, MedGen C3150678, MONDO:0013259, OMIM 613411.
Retinal disorder. Also called: Retinopathy; Retinal disorders; Retinopathies; Retinal Diseases. Identifiers: MedGen C0035309, MONDO:0005283, HP:0000488.
Retinal dystrophy. Also called: Inherited retinal dystrophy. Identifiers: Orphanet 71862, MedGen C0854723, MeSH D058499, MONDO:0019118, HP:0000556.

Submissions (14):

OLLIN Analises Genomicas, OLLIN
Classification: Pathogenic for Oguchi disease-2. Last evaluated: 2026-08-06. Review status: criteria provided, single submitter. Criteria: ACMG Guidelines 2015 PMID 25741868. Collection method: clinical testing. Allele origin: germline.
Comment: This frameshift variant, located in exon 7 (of 7), has been reported in ClinVar (accession VCV000870440.31), in gnomAD with an allele frequency of 0.035%, and in the scientific literature, in compound heterozygosity, in individuals with GRK1 related disorders (PMID: 9020843). This variant causes a frameshift and introduces a premature stop codon, which is predicted to result in either a truncated protein or degradation of the mRNA via nonsense-mediated decay (NMD). According to the currently available evidence, this variant has been classified as pathogenic (PVS1_M, PM2_P, PM3_VS).

Genetics Laboratory, Great Ormond Street Hospital NHS Foundation Trust, North Thames Genomic Laboratory Hub
Classification: Likely pathogenic for Retinal disorders. Last evaluated: 2026-02-26. Review status: criteria provided, single submitter. Criteria: ACGS Best Practice Guidelines for Variant Classification in Rare Disease 2024 v1.2. Collection method: clinical testing. Allele origin: germline. Affected: yes.
Comment: PVS1_moderate, PP1_moderate, PM3_strong, PP4_supporting

First Genomix Gene Laboratory, Genetic Diagnostics Department
Classification: Likely pathogenic for Oguchi disease-2. Last evaluated: 2025-01-10. Review status: criteria provided, single submitter. Criteria: ACMG Guidelines, 2015. Collection method: clinical testing. Allele origin: germline. Inheritance: Autosomal recessive inheritance. Affected: no. Observed: 1 variant allele.

GeneDx
Classification: Likely pathogenic. Last evaluated: 2024-12-23. Review status: criteria provided, single submitter. Criteria: GeneDx Variant Classification Process June 2021. Collection method: clinical testing. Allele origin: germline. Affected: yes.
Comment: Published functional studies demonstrate a damaging effect with minimal phosphorylation of rhodopsin light-dependent activity as compared to wild-type (PMID: 9501174); Frameshift variant predicted to result in protein truncation as the last 27 amino acids are lost and replaced with 6 incorrect amino acids, although loss-of-function variants have not been reported downstream of this position in the protein; This variant is associated with the following publications: (PMID: 34426522, 9501174, 26349155, 32146548, 33252155, 9020843)

Blueprint Genetics
Classification: Pathogenic for GRK1-related disorders. Last evaluated: 2024-11-26. Review status: criteria provided, single submitter. Criteria: ACMG Guidelines, 2015. Collection method: clinical testing. Allele origin: germline. Affected: yes. Observed: 5 variant alleles.

3billion
Classification: Likely pathogenic for Oguchi disease-2. Last evaluated: 2024-11-22. Review status: criteria provided, single submitter. Criteria: ACMG Guidelines, 2015. Collection method: clinical testing. Allele origin: germline. Affected: yes.
Comment: The variant is observed at an extremely low frequency in the gnomAD v4.1.0 dataset (total allele frequency: 0.035%). Predicted Consequence/Location: Frameshift: predicted to result in a loss or disruption of normal protein function through protein truncation. Multiple pathogenic variants are reported in the predicted truncated region. The variant has been reported at least twice as pathogenic without evidence for the classification (ClinVar ID: VCV000870440 /PMID: 9020843). Therefore, this variant is classified as Likely pathogenic according to the recommendation of ACMG/AMP guideline.

PreventionGenetics, part of Exact Sciences
Classification: Pathogenic for GRK1-related condition. Last evaluated: 2024-10-17. Review status: criteria provided, single submitter. Criteria: ACMG Guidelines, 2015. Collection method: clinical testing. Allele origin: germline.
Comment: The GRK1 c.1610_1613delACGG variant is predicted to result in a frameshift and premature protein termination (p.Asp537Valfs*7). This variant has been reported in the homozygous or compound heterozygous state in individuals who presented with the Oguchi form of stationary night blindness (Yamamoto et al. 1997. PubMed ID: 9020843, reported as Ser536(4-bp del); Skorczyk-Wener et al. 2015. PubMed ID: 26349155, reported as c.1607_1610delCGGA; Ballios et al. 2020. PubMed ID: 32146548). This variant is reported in 0.15% of alleles in individuals of South Asian descent in gnomAD. Frameshift variants in GRK1 are expected to be pathogenic. This variant is interpreted as pathogenic.

Ophthalmic Genetics Group, Institute of Molecular and Clinical Ophthalmology Basel
Classification: Pathogenic for Retinal dystrophy. Last evaluated: 2024-05-27. Review status: criteria provided, single submitter. Criteria: ACMG Guidelines, 2015. Collection method: research. Allele origin: germline. Affected: yes. Observed: 1 variant allele.
Comment: This variant was classified as Pathogenic based on ACMG criteria: PVS1_mod, PM2_mod and PM3_very strong

CeGaT Center for Human Genetics Tuebingen
Classification: Pathogenic. Last evaluated: 2023-09-01. Review status: criteria provided, single submitter. Criteria: CeGaT Center For Human Genetics Tuebingen Variant Classification Criteria Version 2. Collection method: clinical testing. Allele origin: germline. Affected: yes. Observed: 1 variant allele.
Comment: GRK1: PM3:Strong, PP1:Strong, PVS1:Moderate, PM2:Supporting, PS3:Supporting

Neuberg Centre For Genomic Medicine, NCGM
Classification: Likely pathogenic for Oguchi disease-2. Last evaluated: 2023-03-01. Review status: criteria provided, single submitter. Criteria: ACMG Guidelines, 2015. Collection method: clinical testing. Allele origin: germline. Inheritance: Autosomal recessive inheritance. Affected: yes.
Comment: The frameshift variant c.1610_1613del(p.Asp537ValfsTer7) in GRK1 gene has been reported in homozygous and compound heterozygous state in 2 individuals with Oguchi disease (Yamamoto S, et al., 1997, Skorczyk-Werner A, et al., 2015). The p.Asp537ValfsTer7 variant has 0.05% allele frequency in gnomAD Exomes and is novel (not in any individuals) in 1000 Genomes.This variant has been reported to the ClinVar database as Pathogenic/Likely Pathogenic. This variant causes a frameshift starting with codon Aspartic Acid 537, changes this amino acid to Valine residue, and creates a premature Stop codon at position 7 of the new reading frame, denoted p.Asp537ValfsTer7. Although this variant is present in the last exon, it results in deletion of terminal 22 amino acid residues of retinal kinase protein (Yamamoto S, et al., 1997, Skorczyk-Werner A, et al., 2015). For these reasons, this variant has been classified as Likely Pathogenic.

Institute of Human Genetics, Univ. Regensburg, Univ. Regensburg
Classification: Pathogenic for Retinal dystrophy. Last evaluated: 2023-01-01. Review status: criteria provided, single submitter. Criteria: ACMG Guidelines, 2015. Collection method: clinical testing. Allele origin: germline. Affected: yes.

Leeds Institute of Medical Research, University of Leeds
Classification: Likely pathogenic for Oguchi disease-2. Last evaluated: 2019-02-20. Review status: no assertion criteria provided. Collection method: clinical testing. Allele origin: inherited. Inheritance: Autosomal recessive inheritance. Affected: yes. Not counted in ClinVar's aggregate classification.

OMIM
Classification: Pathogenic for OGUCHI DISEASE 2. Last evaluated: 1997-02-01. Review status: no assertion criteria provided. Collection method: literature only. Allele origin: germline. Not counted in ClinVar's aggregate classification.

Department of Pathology and Laboratory Medicine, Sinai Health System
Classification: Uncertain significance for Oguchi disease-2. Last evaluated: 2022-07-06. Review status: flagged submission. Criteria: ACMG Guidelines, 2015. Collection method: research. Allele origin: germline. Not counted in ClinVar's aggregate classification.
ClinVar note: Reason: Outlier claim with insufficient supporting evidence

Literature cited by the submitters: PubMed 9020843 (cited by 6 submitters); PubMed 26349155 (cited by 3 submitters); PubMed 40180963 (cited by Ophthalmic Genetics Group, Institute of Molecular and Clinical Ophthalmology Basel); PubMed 32146548 (cited by Institute of Human Genetics, Univ. Regensburg, Univ. Regensburg); PubMed 34426522 (cited by Institute of Human Genetics, Univ. Regensburg, Univ. Regensburg); PubMed 33252155 (cited by Institute of Human Genetics, Univ. Regensburg, Univ. Regensburg).